The following is an entry in ClinVar:

ClinVar aggregate classification (germline): Likely pathogenic (1 of 4 stars; one submission).

Submission:

Labcorp Genetics (formerly Invitae), Labcorp
Classification: Likely pathogenic. Last evaluated: 2023-04-24. Review status: criteria provided, single submitter. Criteria: Invitae Variant Classification Sherloc (09022015). Collection method: clinical testing. Allele origin: germline.
Comment: In summary, the currently available evidence indicates that the variant is pathogenic, but additional data are needed to prove that conclusively. Therefore, this variant has been classified as Likely Pathogenic. A similar copy number variant has been observed in individual(s) with clinical features of osteogenesis imperfecta (Invitae). This variant results in a copy number gain of the genomic region encompassing exon(s) 8 of the PLS3 gene. While the exact position of this variant cannot be determined from the data, sub-genic copy number gains are generally in tandem (PMID: 25640679). This variant is predicted to be out-of-frame, and may result in an absent or disrupted protein product. Loss-of-function variants in PLS3 are known to be pathogenic (PMID: 24088043, 30405713, 33166085).

Literature cited by the submitters: PubMed 25640679; PubMed 24088043; PubMed 30405713; PubMed 33166085.

NC_000023.10:g.(?_114871128)_(114871310_?)dup

Gene: PLS3 (plastin 3; plus strand). Cytogenetic location: Xq23.
Variant type: Duplication.
Identifiers: ClinVar variation 2425282 (VCV002425282.4).